The following is an entry in ClinVar:

NM_014874.4(MFN2):c.599+115A>C

Gene: MFN2 (mitofusin 2; plus strand). Cytogenetic location: 1p36.22.
Variant type: single nucleotide variant.
Coding change: c.599+115A>C on transcript NM_014874.4 (MANE Select); 115 bases into the intron after coding-DNA position 599, A replaced by C.
Molecular consequence: intron variant.
Genome position (GRCh38, 1-based): chr1:11,997,536, A>C. VCF-style: chr1-11997536-A-C. GRCh37 (hg19) VCF-style: chr1-12057593-A-C.
Other names: c.599+115A>C (NM_001127660.2).
Identifiers: ClinVar variation 675535 (VCV000675535.2), dbSNP rs78727601, ClinGen allele CA18008662.

ClinVar aggregate classification (germline): Benign. Review status: criteria provided, multiple submitters, no conflicts (2 of 4 stars). 2 submissions from 2 submitters: Benign (2). Last evaluated 2018-06-16.

Allele frequency attached by ClinVar (database versions not stated): gnomAD 0.02356 and 0.02499; TOPMed 0.02529; 1000 Genomes Project 0.02935; 1000 Genomes Project 30x 0.03107.
gnomAD v4.1: 6,624 of 1,427,952 alleles (0.46%); highest among the groups gnomAD compares: African/African-American, 8.2%; 234 homozygotes.

Submissions (2):

GeneDx
Classification: Benign. Last evaluated: 2018-06-16. Review status: criteria provided, single submitter. Criteria: GeneDx Variant Classification (06012015). Collection method: clinical testing. Allele origin: germline. Affected: yes.
Comment: This variant is considered likely benign or benign based on one or more of the following criteria: it is a conservative change, it occurs at a poorly conserved position in the protein, it is predicted to be benign by multiple in silico algorithms, and/or has population frequency not consistent with disease.

Breakthrough Genomics
Classification: Benign. Review status: criteria provided, single submitter. Criteria: ACMG Guidelines, 2015. Collection method: not provided. Allele origin: germline. Inheritance: Autosomal recessive inheritance. Affected: yes.